The following is an entry in ClinVar:

NM_001001821.1(OR2T34):c.408T>C (p.His136=)

Gene: OR2T34 (olfactory receptor family 2 subfamily T member 34; minus strand). Cytogenetic location: 1q44.
Variant type: single nucleotide variant.
Coding change: c.408T>C on transcript NM_001001821.1 (MANE Select); coding-DNA position 408, T replaced by C.
Protein change: p.His136=; no amino-acid change (histidine 136 retained).
Molecular consequence: synonymous variant.
Genome position (GRCh38, 1-based): chr1:248,574,350, A>G on the plus strand (T>C on the coding strand, the complement: OR2T34 is on the minus strand). VCF-style: chr1-248574350-A-G. GRCh37 (hg19) VCF-style: chr1-248737651-A-G.
Identifiers: ClinVar variation 2640256 (VCV002640256.24), dbSNP rs61833443, ClinGen allele CA1505709.

ClinVar aggregate classification (germline): Likely benign (1 of 4 stars; one submission).

Allele frequency attached by ClinVar (database versions not stated): 1000 Genomes Project 0.00200; 1000 Genomes Project 30x 0.00219; ExAC 0.00617; gnomAD 0.00623; TOPMed 0.00680; gnomAD exomes 0.00832; ESP Exome Variant Server 0.00940.

Submission:

CeGaT Center for Human Genetics Tuebingen
Classification: Likely benign. Last evaluated: 2025-12-01. Review status: criteria provided, single submitter. Criteria: CeGaT Center For Human Genetics Tuebingen Variant Classification Criteria Version 2. Collection method: clinical testing. Allele origin: germline. Affected: yes. Observed: 3 variant alleles.
Comment: OR2T34: BP4, BP7, BS2